The following is an entry in ClinVar:

NM_000135.4(FANCA):c.1667T>C (p.Met556Thr)

Gene: FANCA (FA complementation group A; minus strand). Cytogenetic location: 16q24.3.
Variant type: single nucleotide variant.
Coding change: c.1667T>C on transcript NM_000135.4 (MANE Select); coding-DNA position 1667, T replaced by C.
Protein change: p.Met556Thr; replaces methionine 556 with threonine.
Molecular consequence: missense variant.
Genome position (GRCh38, 1-based): chr16:89,779,917, A>G on the plus strand (T>C on the coding strand, the complement: FANCA is on the minus strand). VCF-style: chr16-89779917-A-G. GRCh37 (hg19) VCF-style: chr16-89846325-A-G.
Other names: c.1667T>C, p.Met556Thr (NM_001286167.3); c.1667T>C (NM_000135.2); short protein forms M556T.
Identifiers: ClinVar variation 1472534 (VCV001472534.6), dbSNP rs750091512, ClinGen allele CA8252179.

ClinVar aggregate classification (germline): Uncertain significance. Review status: criteria provided, multiple submitters, no conflicts (2 of 4 stars). 2 submissions from 2 submitters: Uncertain significance (2). Last evaluated 2025-04-05.

Conditions:
Inborn genetic diseases. Identifiers: MedGen C0950123, MeSH D030342.
Fanconi anemia (FA). Also called: Fanconi's anemia. Identifiers: Orphanet 84, MedGen C0015625, MeSH D005199, MONDO:0019391.

Allele frequency attached by ClinVar (database versions not stated): ExAC 0.00002; gnomAD exomes 0.00001.
gnomAD v4.1: 5 of 1,614,154 alleles (0.00031%); highest among the groups gnomAD compares: South Asian, 0.0055%; no homozygotes.

Submissions (2):

Ambry Genetics
Classification: Uncertain significance for Inborn genetic diseases. Last evaluated: 2025-04-05. Review status: criteria provided, single submitter. Criteria: Ambry Variant Classification Scheme 2023. Collection method: clinical testing. Allele origin: germline.
Comment: The p.M556T variant (also known as c.1667T>C), located in coding exon 18 of the FANCA gene, results from a T to C substitution at nucleotide position 1667. The methionine at codon 556 is replaced by threonine, an amino acid with similar properties. This amino acid position is conserved. In addition, this alteration is predicted to be tolerated by in silico analysis. Based on the available evidence, the clinical significance of this variant remains unclear.

Labcorp Genetics (formerly Invitae), Labcorp
Classification: Uncertain significance for Fanconi anemia. Last evaluated: 2021-08-31. Review status: criteria provided, single submitter. Criteria: Invitae Variant Classification Sherloc (09022015). Collection method: clinical testing. Allele origin: germline.
Comment: This sequence change replaces methionine with threonine at codon 556 of the FANCA protein (p.Met556Thr). The methionine residue is weakly conserved and there is a moderate physicochemical difference between methionine and threonine. This variant is present in population databases (rs750091512, ExAC 0.02%). This variant has not been reported in the literature in individuals affected with FANCA-related conditions. Advanced modeling of protein sequence and biophysical properties (such as structural, functional, and spatial information, amino acid conservation, physicochemical variation, residue mobility, and thermodynamic stability) performed at Invitae indicates that this missense variant is not expected to disrupt FANCA protein function. In summary, the available evidence is currently insufficient to determine the role of this variant in disease. Therefore, it has been classified as a Variant of Uncertain Significance.